The following is an entry in ClinVar:

ClinVar aggregate classification (germline): Uncertain significance (1 of 4 stars; one submission).

Conditions:
Charcot-Marie-Tooth disease axonal type 2O. Also called: CHARCOT-MARIE-TOOTH NEUROPATHY, AXONAL, TYPE 2O; CHARCOT-MARIE-TOOTH DISEASE, AXONAL, AUTOSOMAL DOMINANT, TYPE 2O; Charcot-Marie-Tooth Neuropathy Type 2O; Charcot-Marie-Tooth disease, axonal, type 20. Identifiers: Orphanet 284232, MedGen C3280220, MONDO:0013644, OMIM 614228.

Submission:

Labcorp Genetics (formerly Invitae), Labcorp
Classification: Uncertain significance for Charcot-Marie-Tooth disease axonal type 2O. Last evaluated: 2025-02-04. Review status: criteria provided, single submitter. Criteria: Invitae Variant Classification Sherloc (09022015). Collection method: clinical testing. Allele origin: germline.
Comment: This sequence change replaces alanine, which is neutral and non-polar, with valine, which is neutral and non-polar, at codon 4120 of the DYNC1H1 protein (p.Ala4120Val). This variant is not present in population databases (gnomAD no frequency). This variant has not been reported in the literature in individuals affected with DYNC1H1-related conditions. Invitae Evidence Modeling of protein sequence and biophysical properties (such as structural, functional, and spatial information, amino acid conservation, physicochemical variation, residue mobility, and thermodynamic stability) indicates that this missense variant is not expected to disrupt DYNC1H1 protein function with a negative predictive value of 95%. In summary, the available evidence is currently insufficient to determine the role of this variant in disease. Therefore, it has been classified as a Variant of Uncertain Significance.

NM_001376.5(DYNC1H1):c.12359C>T (p.Ala4120Val)

Gene: DYNC1H1 (dynein cytoplasmic 1 heavy chain 1; plus strand). Cytogenetic location: 14q32.31.
Variant type: single nucleotide variant.
Coding change: c.12359C>T on transcript NM_001376.5 (MANE Select); coding-DNA position 12359, C replaced by T.
Protein change: p.Ala4120Val; replaces alanine 4120 with valine.
Molecular consequence: missense variant.
Genome position (GRCh38, 1-based): chr14:102,042,467, C>T. VCF-style: chr14-102042467-C-T. GRCh37 (hg19) VCF-style: chr14-102508804-C-T.
Other names: short protein forms A4120V.
Identifiers: ClinVar variation 4802084 (VCV004802084.1).